The following is an entry in ClinVar:

NM_000059.4(BRCA2):c.4048_4051del (p.His1350fs)

Gene: BRCA2 (BRCA2 DNA repair associated; plus strand). Cytogenetic location: 13q13.1.
Variant type: Deletion.
Coding change: c.4048_4051del on transcript NM_000059.4 (MANE Select); coding-DNA positions 4048 to 4051, 4 bases deleted (CATA; older notation c.4048_4051delCATA).
Protein change: p.His1350fs; shifts the reading frame from histidine 1350.
Molecular consequence: frameshift variant.
Genome position (GRCh38, 1-based): chr13:32,338,403-32,338,406, CATA deleted. VCF-style (leftmost placement, unchanged base first): chr13-32338402-TCATA-T. GRCh37 (hg19) VCF-style: chr13-32912539-TCATA-T.
Other names: 4276del4; c.4048_4051delCATA (NM_000059.3, NM_000059.4); short protein forms H1350fs.
Identifiers: ClinVar variation 51587 (VCV000051587.14), dbSNP rs80359423, ClinGen allele CA019433.

ClinVar aggregate classification (germline): Pathogenic. Review status: reviewed by expert panel (3 of 4 stars). 6 submissions from 6 submitters: Pathogenic (1). 5 of the submissions do not count toward it. Last evaluated 2016-09-08.

Conditions:
Hereditary breast ovarian cancer syndrome. Also called: Hereditary breast and ovarian cancer syndrome; Hereditary breast and ovarian cancer; Hereditary breast and ovarian cancer syndrome (HBOC); Breast and ovarian cancer; Hereditary breast and/or ovarian cancer syndrome; BRCA1- and BRCA2-Associated Hereditary Breast and Ovarian Cancer. Identifiers: Orphanet 145, MedGen C0677776, MeSH D061325, MONDO:0003582. Disease mechanism: loss of function.
Breast-ovarian cancer, familial, susceptibility to, 2 (BROVCA2). Also called: BRCA2 Hereditary Breast and Ovarian Cancer. Identifiers: Orphanet 145, MedGen C2675520, MONDO:0012933, OMIM 612555. Disease mechanism: loss of function.
Hereditary cancer-predisposing syndrome. Also called: Neoplastic Syndromes, Hereditary; Tumor predisposition; Hereditary Cancer Syndrome; Hereditary neoplastic syndrome. Identifiers: Orphanet 140162, MedGen C0027672, MeSH D009386, MONDO:0015356.

Submissions (6):

Evidence-based Network for the Interpretation of Germline Mutant Alleles (ENIGMA)
Classification: Pathogenic for Breast-ovarian cancer, familial, susceptibility to, 2. Last evaluated: 2016-09-08. Review status: reviewed by expert panel. Criteria: ENIGMA BRCA1/2 Classification Criteria (2015). Collection method: curation. Allele origin: germline.
Comment: Variant allele predicted to encode a truncated non-functional protein.

Labcorp Genetics (formerly Invitae), Labcorp
Classification: Pathogenic for Hereditary breast ovarian cancer syndrome. Last evaluated: 2023-11-24. Review status: criteria provided, single submitter. Criteria: Invitae Variant Classification Sherloc (09022015). Collection method: clinical testing. Allele origin: germline. Not counted in ClinVar's aggregate classification.
Comment: This sequence change creates a premature translational stop signal (p.His1350Lysfs*23) in the BRCA2 gene. It is expected to result in an absent or disrupted protein product. Loss-of-function variants in BRCA2 are known to be pathogenic (PMID: 20104584). This variant is not present in population databases (gnomAD no frequency). This variant has not been reported in the literature in individuals affected with BRCA2-related conditions. ClinVar contains an entry for this variant (Variation ID: 51587). For these reasons, this variant has been classified as Pathogenic.

Women's Health and Genetics/Laboratory Corporation of America, LabCorp
Classification: Pathogenic for Hereditary breast ovarian cancer syndrome. Last evaluated: 2023-11-20. Review status: criteria provided, single submitter. Criteria: LabCorp Variant Classification Summary - May 2015. Collection method: clinical testing. Allele origin: germline. Not counted in ClinVar's aggregate classification.
Comment: Variant summary: BRCA2 c.4048_4051delCATA (p.His1350LysfsX23) results in a premature termination codon, predicted to cause a truncation of the encoded protein or absence of the protein due to nonsense mediated decay, which are commonly known mechanisms for disease. The variant was absent in 239668 control chromosomes. To our knowledge, no occurrence of c.4048_4051delCATA in individuals affected with Hereditary Breast And Ovarian Cancer Syndrome and no experimental evidence demonstrating its impact on protein function have been reported. Three submitters, including an expert panel (ENIGMA), have cited clinical-significance assessments for this variant to ClinVar after 2014. All submitters classified the variant as pathogenic. Based on the evidence outlined above, the variant was classified as pathogenic.

Ambry Genetics
Classification: Pathogenic for Hereditary cancer-predisposing syndrome. Last evaluated: 2021-07-21. Review status: criteria provided, single submitter. Criteria: Ambry Variant Classification Scheme 2023. Collection method: clinical testing. Allele origin: germline. Not counted in ClinVar's aggregate classification.
Comment: The c.4048_4051delCATA pathogenic mutation, located in coding exon 10 of the BRCA2 gene, results from a deletion of 4 nucleotides at nucleotide positions 4048 to 4051, causing a translational frameshift with a predicted alternate stop codon (p.H1350Kfs*23). This alteration is expected to result in loss of function by premature protein truncation or nonsense-mediated mRNA decay. As such, this alteration is interpreted as a disease-causing mutation.

Color Diagnostics, LLC DBA Color Health
Classification: Pathogenic for Hereditary cancer-predisposing syndrome. Last evaluated: 2019-09-10. Review status: criteria provided, single submitter. Criteria: ACMG Guidelines, 2015. Collection method: clinical testing. Allele origin: germline. Not counted in ClinVar's aggregate classification.
Comment: This variant deletes 4 nucleotides in exon 11 of the BRCA2 gene, creating a frameshift and premature translation stop signal. This variant is expected to result in an absent or non-functional protein product. Splice site prediction tools suggest that this variant may not impact RNA splicing. To our knowledge, functional studies have not been performed for this variant. This variant has not been reported in individuals affected with hereditary cancer in the literature. This variant has not been identified in the general population by the Genome Aggregation Database (gnomAD). Loss of BRCA2 function is a known mechanism of disease. Based on the available evidence, this variant is classified as Pathogenic.

Breast Cancer Information Core (BIC) (BRCA2)
Classification: Pathogenic for Breast-ovarian cancer, familial 2. Last evaluated: 2002-05-29. Review status: no assertion criteria provided. Collection method: clinical testing. Allele origin: germline. Affected: yes. Observed: 1 variant allele. Not counted in ClinVar's aggregate classification.

Literature cited by the submitters: PubMed 20104584 (cited by Labcorp Genetics (formerly Invitae), Labcorp).